The following is an entry in ClinVar:

ClinVar aggregate classification (germline): Uncertain significance. Review status: criteria provided, multiple submitters, no conflicts (2 of 4 stars). 3 submissions from 3 submitters: Uncertain significance (3). Last evaluated 2026-05-03.

Conditions:
UNC45A-related disorder. Also called: UNC45A-related condition.
Inborn genetic diseases. Identifiers: MedGen C0950123, MeSH D030342.

Allele frequency attached by ClinVar (database versions not stated): TOPMed 0.00030; ESP Exome Variant Server 0.00031; gnomAD 0.00022 and 0.00023; gnomAD exomes 0.00026 and 0.00028; ExAC 0.00030.
gnomAD v4.1: 447 of 1,613,848 alleles (0.028%); highest among the groups gnomAD compares: Middle Eastern, 0.033%; 1 homozygote.

Submissions (3):

PreventionGenetics, part of Exact Sciences
Classification: Uncertain significance for UNC45A-related condition. Last evaluated: 2026-05-03. Review status: criteria provided, single submitter. Criteria: ACMG Guidelines, 2015. Collection method: clinical testing. Allele origin: germline.
Comment: The UNC45A c.1818C>A variant is predicted to result in the amino acid substitution p.Asp606Glu. To our knowledge, this variant has not been reported in the literature. This variant is reported in 0.044% of alleles in individuals of European (Non-Finnish) descent in gnomAD. At this time, the clinical significance of this variant is uncertain due to the absence of conclusive functional and genetic evidence.

Labcorp Genetics (formerly Invitae), Labcorp
Classification: Uncertain significance. Last evaluated: 2024-01-08. Review status: criteria provided, single submitter. Criteria: Invitae Variant Classification Sherloc (09022015). Collection method: clinical testing. Allele origin: germline.
Comment: This sequence change replaces aspartic acid, which is acidic and polar, with glutamic acid, which is acidic and polar, at codon 606 of the UNC45A protein (p.Asp606Glu). This variant is present in population databases (rs199723045, gnomAD 0.04%). This variant has not been reported in the literature in individuals affected with UNC45A-related conditions. ClinVar contains an entry for this variant (Variation ID: 1503948). Advanced modeling of protein sequence and biophysical properties (such as structural, functional, and spatial information, amino acid conservation, physicochemical variation, residue mobility, and thermodynamic stability) performed at Invitae indicates that this missense variant is not expected to disrupt UNC45A protein function with a negative predictive value of 80%. In summary, the available evidence is currently insufficient to determine the role of this variant in disease. Therefore, it has been classified as a Variant of Uncertain Significance.

Ambry Genetics
Classification: Uncertain significance for Inborn genetic diseases. Last evaluated: 2021-06-11. Review status: criteria provided, single submitter. Criteria: Ambry Variant Classification Scheme 2023. Collection method: clinical testing. Allele origin: germline.

NM_018671.5(UNC45A):c.1818C>A (p.Asp606Glu)

Gene: UNC45A (unc-45 myosin chaperone A; plus strand). Cytogenetic location: 15q26.1.
Variant type: single nucleotide variant.
Coding change: c.1818C>A on transcript NM_018671.5 (MANE Select); coding-DNA position 1818, C replaced by A.
Protein change: p.Asp606Glu; replaces aspartic acid 606 with glutamic acid.
Molecular consequence: missense variant.
Genome position (GRCh38, 1-based): chr15:90,948,734, C>A. VCF-style: chr15-90948734-C-A. GRCh37 (hg19) VCF-style: chr15-91491964-C-A.
Other names: c.1773C>A, p.Asp591Glu (NM_001039675.2, NM_001323621.2); c.1818C>A, p.Asp606Glu (NM_001323619.1); c.1383C>A, p.Asp461Glu (NM_001323620.2); c.1818C>A (NM_018671.3); short protein forms D591E, D461E, D606E.
Identifiers: ClinVar variation 1503948 (VCV001503948.6), dbSNP rs199723045, ClinGen allele CA7743071.
Genomic context (GRCh38, chr15:90,948,734, plus strand): 5'-CTTTGCGGTGGCCTCAGCGCTGGTGAACTGCACCAACAGCTATGACTACGAGGAGCCCGA[C>A]CCCAAGATGGTGGAGCTGGCCAAGTATGCCAAGCAGCATGTGCCCGAGCAGCACCCCAAG-3'
Protein context (NP_061141.2, residues 596-616): CTNSYDYEEP[Asp606Glu]PKMVELAKYA